The following is an entry in ClinVar:

ClinVar aggregate classification (germline): Uncertain significance (1 of 4 stars; one submission).

gnomAD v4.1: 2 of 1,607,488 alleles (0.00012%); highest among the groups gnomAD compares: Non-Finnish European, 0.00017%; no homozygotes.

Submission:

GeneDx
Classification: Uncertain significance. Last evaluated: 2026-02-25. Review status: criteria provided, single submitter. Criteria: GeneDx Variant Classification Process June 2021. Collection method: clinical testing. Allele origin: germline.
Comment: Not observed at significant frequency in large population cohorts (gnomAD); In silico analysis supports that this missense variant has a deleterious effect on protein structure/function; Has not been previously published as pathogenic or benign to our knowledge

NM_015030.2(FRYL):c.2518G>T (p.Val840Phe)

Gene: FRYL (FRY like transcription coactivator; minus strand). Cytogenetic location: 4p11.
Variant type: single nucleotide variant.
Coding change: c.2518G>T on transcript NM_015030.2 (MANE Select); coding-DNA position 2518, G replaced by T.
Protein change: p.Val840Phe; replaces valine 840 with phenylalanine.
Molecular consequence: missense variant.
Genome position (GRCh38, 1-based): chr4:48,578,983, C>A on the plus strand (G>T on the coding strand, the complement: FRYL is on the minus strand). VCF-style: chr4-48578983-C-A. GRCh37 (hg19) VCF-style: chr4-48581000-C-A.
Other names: short protein forms V840F.
Identifiers: ClinVar variation 5008777 (VCV005008777.1).